The following is an entry in ClinVar:

NM_005732.4(RAD50):c.1863G>T (p.Gln621His)

Gene: RAD50 (RAD50 double strand break repair protein; plus strand). Cytogenetic location: 5q31.1.
Variant type: single nucleotide variant.
Coding change: c.1863G>T on transcript NM_005732.4 (MANE Select); coding-DNA position 1863, G replaced by T.
Protein change: p.Gln621His; replaces glutamine 621 with histidine.
Molecular consequence: missense variant.
Genome position (GRCh38, 1-based): chr5:132,594,938, G>T. VCF-style: chr5-132594938-G-T. GRCh37 (hg19) VCF-style: chr5-131930630-G-T.
Other names: short protein forms Q621H.
Identifiers: ClinVar variation 3224953 (VCV003224953.1), dbSNP rs2479649871, ClinGen allele CA360947834.

ClinVar aggregate classification (germline): Uncertain significance (1 of 4 stars; one submission).

Conditions:
Hereditary cancer-predisposing syndrome. Also called: Neoplastic Syndromes, Hereditary; Tumor predisposition; Hereditary neoplastic syndrome; Hereditary Cancer Syndrome. Identifiers: Orphanet 140162, MedGen C0027672, MeSH D009386, MONDO:0015356.

Submission:

Ambry Genetics
Classification: Uncertain significance for Hereditary cancer-predisposing syndrome. Last evaluated: 2024-01-22. Review status: criteria provided, single submitter. Criteria: Ambry Variant Classification Scheme 2023. Collection method: clinical testing. Allele origin: germline.
Comment: The p.Q621H variant (also known as c.1863G>T), located in coding exon 12 of the RAD50 gene, results from a G to T substitution at nucleotide position 1863. The glutamine at codon 621 is replaced by histidine, an amino acid with highly similar properties. This amino acid position is conserved. In addition, this alteration is predicted to be tolerated by in silico analysis. Based on the available evidence, the clinical significance of this alteration remains unclear.